The following is an entry in ClinVar:

NM_003995.4(NPR2):c.85G>A (p.Val29Met)

Gene: NPR2 (natriuretic peptide receptor 2; plus strand). Cytogenetic location: 9p13.3.
Variant type: single nucleotide variant.
Coding change: c.85G>A on transcript NM_003995.4 (MANE Select); coding-DNA position 85, G replaced by A.
Protein change: p.Val29Met; replaces valine 29 with methionine.
Molecular consequence: missense variant.
Genome position (GRCh38, 1-based): chr9:35,792,493, G>A. VCF-style: chr9-35792493-G-A. GRCh37 (hg19) VCF-style: chr9-35792490-G-A.
Other names: c.85G>A, p.Val29Met (NM_001378923.1); short protein forms V29M.
Identifiers: ClinVar variation 1428049 (VCV001428049.6), dbSNP rs2132066072, ClinGen allele CA373361379.

ClinVar aggregate classification (germline): Uncertain significance (1 of 4 stars; one submission).

Conditions:
Acromesomelic dysplasia 1, Maroteaux type (AMD1). Also called: ST. HELENA DYSPLASIA; ACROMESOMELIC DYSPLASIA 1. Identifiers: Orphanet 40, MedGen C1864356, MONDO:0011275, OMIM 602875.
Tall stature-scoliosis-macrodactyly of the great toes syndrome. Also called: Epiphyseal chondrodysplasia, miura type. Identifiers: Orphanet 329191, MedGen C4014690, MONDO:0014401, OMIM 615923.

Submission:

Labcorp Genetics (formerly Invitae), Labcorp
Classification: Uncertain significance for Tall stature-scoliosis-macrodactyly of the great toes syndrome; Acromesomelic dysplasia 1, Maroteaux type. Last evaluated: 2022-06-05. Review status: criteria provided, single submitter. Criteria: Invitae Variant Classification Sherloc (09022015). Collection method: clinical testing. Allele origin: germline.
Comment: In summary, the available evidence is currently insufficient to determine the role of this variant in disease. Therefore, it has been classified as a Variant of Uncertain Significance. Algorithms developed to predict the effect of missense changes on protein structure and function are either unavailable or do not agree on the potential impact of this missense change (SIFT: "Deleterious"; PolyPhen-2: "Possibly Damaging"; Align-GVGD: "Class C0"). ClinVar contains an entry for this variant (Variation ID: 1428049). This variant has not been reported in the literature in individuals affected with NPR2-related conditions. This variant is not present in population databases (gnomAD no frequency). This sequence change replaces valine, which is neutral and non-polar, with methionine, which is neutral and non-polar, at codon 29 of the NPR2 protein (p.Val29Met).